The following is an entry in ClinVar:

ClinVar aggregate classification (germline): Uncertain significance. Review status: criteria provided, multiple submitters, no conflicts (2 of 4 stars). 3 submissions from 3 submitters: Uncertain significance (3). Last evaluated 2025-06-30.

Conditions:
FAM161A-related disorder. Also called: FAM161A-related condition.

Allele frequency attached by ClinVar (database versions not stated): gnomAD exomes below 0.00001; TOPMed 0.00001; ExAC 0.00002.
gnomAD v4.1: 13 of 1,614,174 alleles (0.00081%); highest among the groups gnomAD compares: East Asian, 0.011%; no homozygotes.

Submissions (3):

PreventionGenetics, part of Exact Sciences
Classification: Uncertain significance for FAM161A-related condition. Last evaluated: 2025-06-30. Review status: criteria provided, single submitter. Criteria: ACMG Guidelines, 2015. Collection method: clinical testing. Allele origin: germline.
Comment: The FAM161A c.728A>C variant is predicted to result in the amino acid substitution p.Gln243Pro. To our knowledge, this variant has not been reported in the literature. This variant is reported in 0.028% of alleles in individuals of East Asian descent in gnomAD. At this time, the clinical significance of this variant is uncertain due to the absence of conclusive functional and genetic evidence.

Blueprint Genetics
Classification: Uncertain significance. Last evaluated: 2024-10-10. Review status: criteria provided, single submitter. Criteria: ACMG Guidelines, 2015. Collection method: clinical testing. Allele origin: germline.

Labcorp Genetics (formerly Invitae), Labcorp
Classification: Uncertain significance. Last evaluated: 2022-06-27. Review status: criteria provided, single submitter. Criteria: Invitae Variant Classification Sherloc (09022015). Collection method: clinical testing. Allele origin: germline.
Comment: This sequence change replaces glutamine, which is neutral and polar, with proline, which is neutral and non-polar, at codon 243 of the FAM161A protein (p.Gln243Pro). This variant is present in population databases (rs764426425, gnomAD 0.03%). This variant has not been reported in the literature in individuals affected with FAM161A-related conditions. Algorithms developed to predict the effect of missense changes on protein structure and function (SIFT, PolyPhen-2, Align-GVGD) all suggest that this variant is likely to be disruptive. In summary, the available evidence is currently insufficient to determine the role of this variant in disease. Therefore, it has been classified as a Variant of Uncertain Significance.

NM_001201543.2(FAM161A):c.728A>C (p.Gln243Pro)

Gene: FAM161A (FAM161 centrosomal protein A; minus strand). Cytogenetic location: 2p15.
Variant type: single nucleotide variant.
Coding change: c.728A>C on transcript NM_001201543.2 (MANE Select); coding-DNA position 728, A replaced by C.
Protein change: p.Gln243Pro; replaces glutamine 243 with proline.
Molecular consequence: missense variant. On other transcripts: non-coding transcript variant (1).
Genome position (GRCh38, 1-based): chr2:61,840,276, T>G on the plus strand (A>C on the coding strand, the complement: FAM161A is on the minus strand). VCF-style: chr2-61840276-T-G. GRCh37 (hg19) VCF-style: chr2-62067411-T-G.
Other names: c.728A>C, p.Gln243Pro (NM_032180.3); c.728A>C (NM_001201543.1); short protein forms Q243P.
Identifiers: ClinVar variation 2147214 (VCV002147214.3), dbSNP rs764426425, ClinGen allele CA1679294.
Genomic context (GRCh38, chr2:61,840,276, plus strand): 5'-TCGATATCTGATTTAGATTTCATGGACTCTTCTTTTTTCTTCTGTTCTCTTATCATCATT[T>G]GAAAAGGCTCCGGTACTGTAATTGTGGGCACCCATTCTTTTCGTTTCTTCCTTCTTTTTT-3'
Protein context (NP_001188472.1, residues 233-253): VPTITVPEPF[Gln243Pro]MMIREQKKKE